The following is an entry in ClinVar:

NM_001367624.2(ZNF469):c.7514C>T (p.Pro2505Leu)

Gene: ZNF469 (zinc finger protein 469; plus strand). Cytogenetic location: 16q24.2.
Variant type: single nucleotide variant.
Coding change: c.7514C>T on transcript NM_001367624.2 (MANE Select); coding-DNA position 7514, C replaced by T.
Protein change: p.Pro2505Leu; replaces proline 2505 with leucine.
Molecular consequence: missense variant.
Genome position (GRCh38, 1-based): chr16:88,434,984, C>T. VCF-style: chr16-88434984-C-T. GRCh37 (hg19) VCF-style: chr16-88501392-C-T.
Other names: NM_001127464.2:c.7430C>T; short protein forms P2505L.
Identifiers: ClinVar variation 320973 (VCV000320973.17), dbSNP rs552311966, ClinGen allele CA8225256.

ClinVar aggregate classification (germline): Conflicting classifications of pathogenicity. Review status: criteria provided, conflicting classifications (1 of 4 stars). 5 submissions from 5 submitters: Uncertain significance (3); Likely benign (2). Last evaluated 2025-12-03.

Conditions:
ZNF469-related disorder. Also called: ZNF469-related condition.
Cardiovascular phenotype. Identifiers: MedGen CN230736.

Allele frequency attached by ClinVar (database versions not stated): TOPMed 0.00010; gnomAD 0.00015 and 0.00016; 1000 Genomes Project 0.00020; 1000 Genomes Project 30x 0.00031; gnomAD exomes 0.00034; ExAC 0.00073.
gnomAD v4.1: 256 of 1,550,156 alleles (0.017%); highest among the groups gnomAD compares: South Asian, 0.12%; no homozygotes.

Submissions (5):

Women's Health and Genetics/Laboratory Corporation of America, LabCorp
Classification: Uncertain significance. Last evaluated: 2025-12-03. Review status: criteria provided, single submitter. Criteria: LabCorp Variant Classification Summary - May 2015. Collection method: clinical testing. Allele origin: germline.
Comment: Variant summary: ZNF469 c.7514C>T (p.Pro2505Leu) results in a non-conservative amino acid change in the encoded protein sequence. Algorithms developed to predict the effect of missense changes on protein structure and function are either unavailable or do not agree on the potential impact of this missense change. The variant allele was found at a frequency of 0.00034 in 150282 control chromosomes. This frequency is not significantly higher than estimated for disease-causing variants in ZNF469, allowing no conclusion about variant significance. To our knowledge, no occurrence of c.7514C>T in individuals affected with ZNF469-related conditions and no experimental evidence demonstrating its impact on protein function have been reported. ClinVar contains an entry for this variant (Variation ID: 320973). Based on the evidence outlined above, the variant was classified as uncertain significance.

PreventionGenetics, part of Exact Sciences
Classification: Likely benign for ZNF469-related condition. Last evaluated: 2025-05-01. Review status: criteria provided, single submitter. Criteria: ACMG Guidelines, 2015. Collection method: clinical testing. Allele origin: germline.
Comment: This variant is classified as likely benign based on ACMG/AMP sequence variant interpretation guidelines (Richards et al. 2015 PMID: 25741868, with internal and published modifications).

GeneDx
Classification: Uncertain significance. Last evaluated: 2024-07-29. Review status: criteria provided, single submitter. Criteria: GeneDx Variant Classification Process June 2021. Collection method: clinical testing. Allele origin: germline. Affected: yes.
Comment: In silico analysis indicates that this missense variant does not alter protein structure/function; Has not been previously published as pathogenic or benign to our knowledge

Ambry Genetics
Classification: Likely benign for Cardiovascular phenotype. Last evaluated: 2023-05-23. Review status: criteria provided, single submitter. Criteria: Ambry Variant Classification Scheme 2023. Collection method: clinical testing. Allele origin: germline.

Labcorp Genetics (formerly Invitae), Labcorp
Classification: Uncertain significance. Last evaluated: 2022-05-09. Review status: criteria provided, single submitter. Criteria: Invitae Variant Classification Sherloc (09022015). Collection method: clinical testing. Allele origin: germline.
Comment: This sequence change replaces proline, which is neutral and non-polar, with leucine, which is neutral and non-polar, at codon 2477 of the ZNF469 protein (p.Pro2477Leu). This variant is present in population databases (rs552311966, gnomAD 0.2%). This variant has not been reported in the literature in individuals affected with ZNF469-related conditions. ClinVar contains an entry for this variant (Variation ID: 320973). Algorithms developed to predict the effect of missense changes on protein structure and function output the following: SIFT: "Deleterious"; PolyPhen-2: "Benign"; Align-GVGD: "Class C0". The leucine amino acid residue is found in multiple mammalian species, which suggests that this missense change does not adversely affect protein function. In summary, the available evidence is currently insufficient to determine the role of this variant in disease. Therefore, it has been classified as a Variant of Uncertain Significance.